The following is an entry in ClinVar:

NM_000535.7(PMS2):c.1092T>A (p.Asp364Glu)

Gene: PMS2 (PMS1 homolog 2, mismatch repair system component; minus strand). Cytogenetic location: 7p22.1.
Variant type: single nucleotide variant.
Coding change: c.1092T>A on transcript NM_000535.7 (MANE Select); coding-DNA position 1092, T replaced by A.
Protein change: p.Asp364Glu; replaces aspartic acid 364 with glutamic acid.
Molecular consequence: missense variant. On other transcripts: non-coding transcript variant (1), intron variant (2).
Genome position (GRCh38, 1-based): chr7:5,989,852, A>T on the plus strand (T>A on the coding strand, the complement: PMS2 is on the minus strand). VCF-style: chr7-5989852-A-T. GRCh37 (hg19) VCF-style: chr7-6029483-A-T.
Other names: c.687T>A, p.Asp229Glu (NM_001322003.2, NM_001322004.2, NM_001322005.2 and 1 more transcripts); c.774T>A, p.Asp258Glu (NM_001322007.2, NM_001322008.2); c.159T>A, p.Asp53Glu (NM_001322011.2, NM_001322012.2); c.519T>A, p.Asp173Glu (NM_001322013.2); c.1092T>A, p.Asp364Glu (NM_001322014.2); c.783T>A, p.Asp261Glu (NM_001322015.2); c.583+2121T>A (NM_001322010.2); c.988+2121T>A (NM_001322006.2); short protein forms D364E, D173E, D53E, D229E, D258E, D261E.
Identifiers: ClinVar variation 231423 (VCV000231423.34), dbSNP rs370066853, ClinGen allele CA041869.

ClinVar aggregate classification (germline): Uncertain significance. Review status: criteria provided, multiple submitters, no conflicts (2 of 4 stars). 9 submissions from 9 submitters: Uncertain significance (9). Last evaluated 2025-05-02.

Conditions:
Hereditary nonpolyposis colorectal neoplasms. Identifiers: MedGen C0009405, MeSH D003123.
Breast and/or ovarian cancer. Identifiers: MedGen CN221562.
Hereditary cancer-predisposing syndrome. Also called: Neoplastic Syndromes, Hereditary; Hereditary Cancer Syndrome; Tumor predisposition; Hereditary neoplastic syndrome. Identifiers: Orphanet 140162, MedGen C0027672, MeSH D009386, MONDO:0015356.
Lynch syndrome. Identifiers: Orphanet 144, MedGen C4552100, MONDO:0005835. Disease mechanism: loss of function.
Lynch syndrome 4 (LYNCH4). Also called: Colorectal cancer, hereditary nonpolyposis, type 4; Hereditary non-polyposis colorectal cancer, type 4. Identifiers: Orphanet 144, MedGen C1838333, MONDO:0013699, OMIM 614337. Disease mechanism: loss of function.

Allele frequency attached by ClinVar (database versions not stated): gnomAD exomes below 0.00001 and 0.00001; ExAC 0.00001; gnomAD 0.00001; TOPMed 0.00001; ESP Exome Variant Server 0.00008.
gnomAD v4.1: 19 of 1,612,722 alleles (0.0012%); highest among the groups gnomAD compares: Non-Finnish European, 0.0014%; no homozygotes.

Submissions (9):

Molecular Pathology, Peter Maccallum Cancer Centre
Classification: Uncertain significance for Lynch syndrome 4. Last evaluated: 2025-05-02. Review status: criteria provided, single submitter. Criteria: ACMG Guidelines, 2015. Collection method: clinical testing. Allele origin: germline. Inheritance: Autosomal dominant inheritance.

Labcorp Genetics (formerly Invitae), Labcorp
Classification: Uncertain significance for Hereditary nonpolyposis colorectal neoplasms. Last evaluated: 2024-12-22. Review status: criteria provided, single submitter. Criteria: Invitae Variant Classification Sherloc (09022015). Collection method: clinical testing. Allele origin: germline.
Comment: This sequence change replaces aspartic acid, which is acidic and polar, with glutamic acid, which is acidic and polar, at codon 364 of the PMS2 protein (p.Asp364Glu). This variant is present in population databases (rs370066853, gnomAD 0.002%). This missense change has been observed in individual(s) with PMS2-related conditions (PMID: 26976419, 36356413; internal data). ClinVar contains an entry for this variant (Variation ID: 231423). Invitae Evidence Modeling incorporating data from in vitro experimental studies (internal data) indicates that this missense variant is not expected to disrupt PMS2 function with a negative predictive value of 95%. In summary, the available evidence is currently insufficient to determine the role of this variant in disease. Therefore, it has been classified as a Variant of Uncertain Significance.

CeGaT Center for Human Genetics Tuebingen
Classification: Uncertain significance. Last evaluated: 2024-12-01. Review status: criteria provided, single submitter. Criteria: CeGaT Center For Human Genetics Tuebingen Variant Classification Criteria Version 2. Collection method: clinical testing. Allele origin: germline. Affected: yes. Observed: 1 variant allele.

All of Us Research Program, National Institutes of Health
Classification: Uncertain significance for Lynch syndrome. Last evaluated: 2024-06-09. Review status: criteria provided, single submitter. Criteria: ACMG Guidelines, 2015. Collection method: clinical testing. Allele origin: germline. Inheritance: Autosomal dominant inheritance. Observed: 3 variant alleles, 3 heterozygotes.
Comment: This missense variant replaces aspartic acid with glutamic acid at codon 364 of the PMS2 protein. Computational prediction suggests that this variant may not impact protein structure and function (internally defined REVEL score threshold <= 0.5, PMID: 27666373). To our knowledge, functional studies have not been reported for this variant. This variant has been reported in an individual affected with breast cancer (PMID: 26976419), an individual affected with colorectal cancer (PMID: 36356413), and an unaffected control individual (PMID: 30267214). This variant has been identified in 2/282586 chromosomes in the general population by the Genome Aggregation Database (gnomAD). The available evidence is insufficient to determine the role of this variant in disease conclusively. Therefore, this variant is classified as a Variant of Uncertain Significance.

This study involves interpretation of variants in research participants for the purpose of population health screening. Participant phenotype was not available at the time of variant classification. Additional details can be found in publication PMID: 35346344, PMCID: PMC8962531

Color Diagnostics, LLC DBA Color Health
Classification: Uncertain significance for Hereditary cancer-predisposing syndrome. Last evaluated: 2024-03-28. Review status: criteria provided, single submitter. Criteria: ACMG Guidelines, 2015. Collection method: clinical testing. Allele origin: germline.
Comment: This missense variant replaces aspartic acid with glutamic acid at codon 364 of the PMS2 protein. Computational prediction suggests that this variant may not impact protein structure and function (internally defined REVEL score threshold <= 0.5, PMID: 27666373). To our knowledge, functional studies have not been reported for this variant. This variant has been reported in an individual affected with breast cancer (PMID: 26976419), an individual affected with colorectal cancer (PMID: 36356413), and an unaffected control individual (PMID: 30267214). This variant has been identified in 2/282586 chromosomes in the general population by the Genome Aggregation Database (gnomAD). The available evidence is insufficient to determine the role of this variant in disease conclusively. Therefore, this variant is classified as a Variant of Uncertain Significance.

Women's Health and Genetics/Laboratory Corporation of America, LabCorp
Classification: Uncertain significance. Last evaluated: 2023-12-11. Review status: criteria provided, single submitter. Criteria: LabCorp Variant Classification Summary - May 2015. Collection method: clinical testing. Allele origin: germline.
Comment: Variant summary: PMS2 c.1092T>A (p.Asp364Glu) results in a conservative amino acid change located in the DNA mismatch repair protein, S5 domain 2-like (IPR013507) of the encoded protein sequence. Five of five in-silico tools predict a benign effect of the variant on protein function. The variant allele was found at a frequency of 4e-06 in 251196 control chromosomes (gnomAD). The available data on variant occurrences in the general population are insufficient to allow any conclusion about variant significance. c.1092T>A has been reported in the literature in individuals affected with breast cancer or colorectal cancer (Tung_2016, Poliani_2022). These reports do not provide unequivocal conclusions about association of the variant with Lynch Syndrome. To our knowledge, no experimental evidence demonstrating an impact on protein function has been reported. The following publications have been ascertained in the context of this evaluation (PMID: 26976419, 36356413). Four submitters have cited clinical-significance assessments for this variant to ClinVar after 2014. All submitters classified the variant as uncertain significance. Based on the evidence outlined above, the variant was classified as uncertain significance.

Ambry Genetics
Classification: Uncertain significance for Hereditary cancer-predisposing syndrome. Last evaluated: 2023-11-01. Review status: criteria provided, single submitter. Criteria: Ambry Variant Classification Scheme 2023. Collection method: clinical testing. Allele origin: germline.
Comment: The p.D364E variant (also known as c.1092T>A), located in coding exon 10 of the PMS2 gene, results from a T to A substitution at nucleotide position 1092. The aspartic acid at codon 364 is replaced by glutamic acid, an amino acid with highly similar properties. This amino acid position is not well conserved in available vertebrate species. In addition, this alteration is predicted to be tolerated by in silico analysis. Since supporting evidence is limited at this time, the clinical significance of this alteration remains unclear.

GeneDx
Classification: Uncertain significance. Last evaluated: 2023-02-10. Review status: criteria provided, single submitter. Criteria: GeneDx Variant Classification Process June 2021. Collection method: clinical testing. Allele origin: germline. Affected: yes.
Comment: Not observed at significant frequency in large population cohorts (gnomAD); In silico analysis supports that this missense variant does not alter protein structure/function; Observed in individual(s) with breast cancer (Tung et al., 2016); This variant is associated with the following publications: (PMID: 30267214, 11574484, 26976419)

CHEO Genetics Diagnostic Laboratory, Children's Hospital of Eastern Ontario
Classification: Uncertain significance for Breast and/or ovarian cancer. Last evaluated: 2022-08-23. Review status: criteria provided, single submitter. Criteria: ACMG Guidelines, 2015. Collection method: clinical testing. Allele origin: germline.

Literature cited by the submitters: PubMed 26976419 (cited by 5 submitters); PubMed 36356413 (cited by 4 submitters); PubMed 30267214 (cited by 3 submitters).